The following is an entry in ClinVar:

NM_001711.6(BGN):c.91G>A (p.Asp31Asn)

Gene: BGN (biglycan; plus strand). Cytogenetic location: Xq28.
Variant type: single nucleotide variant.
Coding change: c.91G>A on transcript NM_001711.6 (MANE Select); coding-DNA position 91, G replaced by A.
Protein change: p.Asp31Asn; replaces aspartic acid 31 with asparagine.
Molecular consequence: missense variant.
Genome position (GRCh38, 1-based): chrX:153,504,722, G>A. VCF-style: chrX-153504722-G-A. GRCh37 (hg19) VCF-style: chrX-152770180-G-A.
Other names: c.91G>A (NM_001711.4); short protein forms D31N.
Identifiers: ClinVar variation 3004629 (VCV003004629.4), dbSNP rs1011782727, ClinGen allele CA415067843.
Genomic context (GRCh38, chrX:153,504,722, plus strand): 5'-CTGGCCCTGAGCCAGGCCCTGCCCTTTGAGCAGAGAGGCTTCTGGGACTTCACCCTGGAC[G>A]ATGGGCCATTCATGATGAACGATGAGGAAGCTTCGGGCGCTGACACCTCGGGCGTCCTGG-3'
Protein context (NP_001702.1, residues 21-41): QRGFWDFTLD[Asp31Asn]GPFMMNDEEA

ClinVar aggregate classification (germline): Uncertain significance. Review status: criteria provided, multiple submitters, no conflicts (2 of 4 stars). 2 submissions from 2 submitters: Uncertain significance (2). Last evaluated 2025-08-03.

Conditions:
Cardiovascular phenotype. Identifiers: MedGen CN230736.

gnomAD v4.1: 7 of 1,211,902 alleles (0.00058%); highest among the groups gnomAD compares: South Asian, 0.0018%; no homozygotes.

Submissions (2):

Ambry Genetics
Classification: Uncertain significance for Cardiovascular phenotype. Last evaluated: 2025-08-03. Review status: criteria provided, single submitter. Criteria: Ambry Variant Classification Scheme 2023. Collection method: clinical testing. Allele origin: germline.
Comment: The p.D31N variant (also known as c.91G>A), located in coding exon 1 of the BGN gene, results from a G to A substitution at nucleotide position 91. The aspartic acid at codon 31 is replaced by asparagine, an amino acid with highly similar properties. This amino acid position is conserved. In addition, this alteration is predicted to be tolerated by in silico analysis. Based on the available evidence, the clinical significance of this variant remains unclear.

Labcorp Genetics (formerly Invitae), Labcorp
Classification: Uncertain significance. Last evaluated: 2022-11-24. Review status: criteria provided, single submitter. Criteria: Invitae Variant Classification Sherloc (09022015). Collection method: clinical testing. Allele origin: germline.
Comment: This sequence change replaces aspartic acid, which is acidic and polar, with asparagine, which is neutral and polar, at codon 31 of the BGN protein (p.Asp31Asn). This variant is not present in population databases (gnomAD no frequency). This variant has not been reported in the literature in individuals affected with BGN-related conditions. Algorithms developed to predict the effect of missense changes on protein structure and function are either unavailable or do not agree on the potential impact of this missense change (SIFT: "Not Available"; PolyPhen-2: "Benign"; Align-GVGD: "Not Available"). In summary, the available evidence is currently insufficient to determine the role of this variant in disease. Therefore, it has been classified as a Variant of Uncertain Significance.